The following is an entry in ClinVar:

ClinVar aggregate classification (germline): Pathogenic (1 of 4 stars; one submission).

Conditions:
Von Hippel-Lindau syndrome (VHLS). Also called: Von Hippel-Lindau; von Hippel–Lindau syndrome; VHL syndrome. Identifiers: Orphanet 892, MedGen C0019562, MONDO:0008667, OMIM 193300. Disease mechanism: loss of function.
Chuvash polycythemia. Also called: POLYCYTHEMIA, VHL-DEPENDENT. Identifiers: Orphanet 238557, MedGen C1837915, MONDO:0009892, OMIM 263400.

Submission:

Labcorp Genetics (formerly Invitae), Labcorp
Classification: Pathogenic for Von Hippel-Lindau syndrome; Chuvash polycythemia. Last evaluated: 2024-01-02. Review status: criteria provided, single submitter. Criteria: Invitae Variant Classification Sherloc (09022015). Collection method: clinical testing. Allele origin: germline.
Comment: This sequence change replaces serine, which is neutral and polar, with proline, which is neutral and non-polar, at codon 68 of the VHL protein (p.Ser68Pro). This variant is not present in population databases (gnomAD no frequency). This missense change has been observed in individuals with clinical features of von Hippel-Lindau syndrome (PMID: 27785399, 33777662). Advanced modeling of protein sequence and biophysical properties (such as structural, functional, and spatial information, amino acid conservation, physicochemical variation, residue mobility, and thermodynamic stability) performed at Invitae indicates that this missense variant is expected to disrupt VHL protein function with a positive predictive value of 95%. This variant disrupts the p.Ser68 amino acid residue in VHL. Other variant(s) that disrupt this residue have been determined to be pathogenic (Invitae). This suggests that this residue is clinically significant, and that variants that disrupt this residue are likely to be disease-causing. For these reasons, this variant has been classified as Pathogenic.

Literature cited by the submitters: PubMed 27785399; PubMed 33777662.

NM_000551.4(VHL):c.202T>C (p.Ser68Pro)

Gene: VHL (von Hippel-Lindau tumor suppressor; plus strand). Cytogenetic location: 3p25.3.
Variant type: single nucleotide variant.
Coding change: c.202T>C on transcript NM_000551.4 (MANE Select); coding-DNA position 202, T replaced by C.
Protein change: p.Ser68Pro; replaces serine 68 with proline.
Molecular consequence: missense variant. On other transcripts: non-coding transcript variant (1).
Genome position (GRCh38, 1-based): chr3:10,142,049, T>C. VCF-style: chr3-10142049-T-C. GRCh37 (hg19) VCF-style: chr3-10183733-T-C.
Other names: c.202T>C, p.Ser68Pro (NM_001354723.2, NM_198156.3); short protein forms S68P.
Identifiers: ClinVar variation 2925342 (VCV002925342.3), dbSNP rs2470158062, ClinGen allele CA16621912.